The following is an entry in ClinVar:

NM_182925.5(FLT4):c.3244G>A (p.Ala1082Thr)

Gene: FLT4 (fms related receptor tyrosine kinase 4; minus strand). Cytogenetic location: 5q35.3.
Variant type: single nucleotide variant.
Coding change: c.3244G>A on transcript NM_182925.5 (MANE Select); coding-DNA position 3244, G replaced by A.
Protein change: p.Ala1082Thr; replaces alanine 1082 with threonine.
Molecular consequence: missense variant.
Genome position (GRCh38, 1-based): chr5:180,614,155, C>T on the plus strand (G>A on the coding strand, the complement: FLT4 is on the minus strand). VCF-style: chr5-180614155-C-T. GRCh37 (hg19) VCF-style: chr5-180041155-C-T.
Other names: c.3244G>A, p.Ala1082Thr (NM_001354989.2, NM_002020.5); short protein forms A1082T.
Identifiers: ClinVar variation 3572912 (VCV003572912.1).

ClinVar aggregate classification (germline): Uncertain significance (1 of 4 stars; one submission).

Conditions:
Hereditary lymphedema type I (LMPHM1). Also called: Milroy Disease; Nonne-Milroy disease; Congenital hereditary lymphedema; Early onset lymphedema; Hereditary lymphedema 1; Primary congenital lymphedema. Identifiers: Orphanet 79452, MedGen C1704423, MONDO:0007919, OMIM 153100.

Submission:

Institute of Human Genetics, University of Goettingen
Classification: Uncertain significance for Hereditary lymphedema type I. Last evaluated: 2025-01-14. Review status: criteria provided, single submitter. Criteria: ACMG Guidelines, 2015. Collection method: clinical testing. Allele origin: paternal. Affected: yes. Observed: 1 heterozygote.
Comment: PP3_mod:MetaRNN computational evidence supports a deleterious effect, 0.976 PM2_sup:absent from control